The following is an entry in ClinVar:

ClinVar aggregate classification (germline): Uncertain significance (1 of 4 stars; one submission).

Conditions:
RASopathy. Also called: rasopathies; Noonan spectrum disorder. Identifiers: Orphanet 536391, MedGen C5555857, MONDO:0021060.

Submission:

Labcorp Genetics (formerly Invitae), Labcorp
Classification: Uncertain significance for RASopathy. Last evaluated: 2022-07-23. Review status: criteria provided, single submitter. Criteria: Invitae Variant Classification Sherloc (09022015). Collection method: clinical testing. Allele origin: germline.
Comment: In summary, the available evidence is currently insufficient to determine the role of this variant in disease. Therefore, it has been classified as a Variant of Uncertain Significance. Advanced modeling of protein sequence and biophysical properties (such as structural, functional, and spatial information, amino acid conservation, physicochemical variation, residue mobility, and thermodynamic stability) performed at Invitae indicates that this missense variant is not expected to disrupt CBL protein function. This variant has not been reported in the literature in individuals affected with CBL-related conditions. This variant is not present in population databases (gnomAD no frequency). This sequence change replaces serine, which is neutral and polar, with arginine, which is basic and polar, at codon 651 of the CBL protein (p.Ser651Arg).

NM_005188.4(CBL):c.1953C>A (p.Ser651Arg)

Gene: CBL (Cbl proto-oncogene; plus strand). Cytogenetic location: 11q23.3.
Variant type: single nucleotide variant.
Coding change: c.1953C>A on transcript NM_005188.4 (MANE Select); coding-DNA position 1953, C replaced by A.
Protein change: p.Ser651Arg; replaces serine 651 with arginine.
Molecular consequence: missense variant.
Genome position (GRCh38, 1-based): chr11:119,287,863, C>A. VCF-style: chr11-119287863-C-A. GRCh37 (hg19) VCF-style: chr11-119158573-C-A.
Other names: short protein forms S651R.
Identifiers: ClinVar variation 2129712 (VCV002129712.4), dbSNP rs2135312889, ClinGen allele CA382922227.